The following is an entry in ClinVar:

ClinVar aggregate classification (germline): Uncertain significance. Review status: criteria provided, multiple submitters, no conflicts (2 of 4 stars). 3 submissions from 3 submitters: Uncertain significance (3). Last evaluated 2025-10-27.

Conditions:
Rafiq syndrome (RAFQS). Identifiers: Orphanet 88616, MedGen C3280127, MONDO:0013624, OMIM 614202.
Inborn genetic diseases. Identifiers: MedGen C0950123, MeSH D030342.

Allele frequency attached by ClinVar (database versions not stated): gnomAD exomes 0.00004 and 0.00007; TOPMed 0.00004; gnomAD 0.00006 and 0.00007; ExAC 0.00007.
gnomAD v4.1: 81 of 1,614,204 alleles (0.005%); highest among the groups gnomAD compares: Middle Eastern, 0.066%; no homozygotes.

Submissions (3):

Labcorp Genetics (formerly Invitae), Labcorp
Classification: Uncertain significance for Rafiq syndrome. Last evaluated: 2025-10-27. Review status: criteria provided, single submitter. Criteria: Invitae Variant Classification Sherloc (09022015). Collection method: clinical testing. Allele origin: germline.
Comment: This sequence change replaces isoleucine, which is neutral and non-polar, with valine, which is neutral and non-polar, at codon 292 of the MAN1B1 protein (p.Ile292Val). This variant is present in population databases (rs573043401, gnomAD 0.03%). This variant has not been reported in the literature in individuals affected with MAN1B1-related conditions. ClinVar contains an entry for this variant (Variation ID: 1023415). An algorithm developed to predict the effect of missense changes on protein structure and function outputs the following: PolyPhen-2: "Benign". The valine amino acid residue is found in multiple mammalian species, which suggests that this missense change does not adversely affect protein function. In summary, the available evidence is currently insufficient to determine the role of this variant in disease. Therefore, it has been classified as a Variant of Uncertain Significance.

Ambry Genetics
Classification: Uncertain significance for Inborn genetic diseases. Last evaluated: 2025-04-01. Review status: criteria provided, single submitter. Criteria: Ambry Variant Classification Scheme 2023. Collection method: clinical testing. Allele origin: germline.

Breakthrough Genomics
Classification: Uncertain significance. Review status: criteria provided, single submitter. Criteria: ACMG Guidelines, 2015. Collection method: not provided. Allele origin: germline. Inheritance: Autosomal recessive inheritance. Affected: yes.

NM_016219.5(MAN1B1):c.874A>G (p.Ile292Val)

Gene: MAN1B1 (mannosidase alpha class 1B member 1; plus strand). Cytogenetic location: 9q34.3.
Variant type: single nucleotide variant.
Coding change: c.874A>G on transcript NM_016219.5 (MANE Select); coding-DNA position 874, A replaced by G.
Protein change: p.Ile292Val; replaces isoleucine 292 with valine.
Molecular consequence: missense variant. On other transcripts: non-coding transcript variant (2).
Genome position (GRCh38, 1-based): chr9:137,099,839, A>G. VCF-style: chr9-137099839-A-G. GRCh37 (hg19) VCF-style: chr9-139994291-A-G.
Other names: c.874A>G (NM_016219.3); short protein forms I292V.
Identifiers: ClinVar variation 1023415 (VCV001023415.9), dbSNP rs573043401, ClinGen allele CA5358812.